The following is an entry in ClinVar:

ClinVar aggregate classification (germline): Likely pathogenic (1 of 4 stars; one submission).

gnomAD v4.1: 1 of 1,613,960 alleles (0.000062%); highest among the groups gnomAD compares: Non-Finnish European, 0.000085%; no homozygotes.

Submission:

Mayo Clinic Laboratories, Mayo Clinic
Classification: Likely pathogenic. Last evaluated: 2023-07-14. Review status: criteria provided, single submitter. Criteria: ACMG Guidelines, 2015. Collection method: clinical testing. Allele origin: germline. Observed: 1 variant allele.
Comment: PM2_moderate, PVS1

NM_000342.4(SLC4A1):c.985G>T (p.Glu329Ter)

Gene: SLC4A1 (solute carrier family 4 member 1 (Diego blood group); minus strand). Cytogenetic location: 17q21.31.
Variant type: single nucleotide variant.
Coding change: c.985G>T on transcript NM_000342.4 (MANE Select); coding-DNA position 985, G replaced by T.
Protein change: p.Glu329Ter; replaces glutamic acid 329 with a stop codon.
Molecular consequence: nonsense.
Genome position (GRCh38, 1-based): chr17:44,258,515, C>A on the plus strand (G>T on the coding strand, the complement: SLC4A1 is on the minus strand). VCF-style: chr17-44258515-C-A. GRCh37 (hg19) VCF-style: chr17-42335883-C-A.
Other names: p.Glu329*; short protein forms E329*.
Identifiers: ClinVar variation 3381165 (VCV003381165.1).